The following is an entry in ClinVar:

ClinVar aggregate classification (germline): Conflicting classifications of pathogenicity. Review status: criteria provided, conflicting classifications (1 of 4 stars). 4 submissions from 4 submitters: Uncertain significance (3); Likely benign (1). Last evaluated 2024-11-10.

Conditions:
Inborn genetic diseases. Identifiers: MedGen C0950123, MeSH D030342.
Benign neonatal seizures. Also called: Benign familial neonatal seizures; Benign neonatal familial convulsions; Benign familial neonatal epilepsy; Convulsions benign familial neonatal dominant form; Autosomal dominant form of benign neonatal seizures. Identifiers: Orphanet 1949, MedGen C0220669, MONDO:0016027.

Allele frequency attached by ClinVar (database versions not stated): gnomAD 0.00003 and 0.00004; TOPMed 0.00004; ExAC 0.00005.
gnomAD v4.1: 22 of 1,613,894 alleles (0.0014%); highest among the groups gnomAD compares: Admixed American, 0.017%; no homozygotes.

Submissions (4):

Ambry Genetics
Classification: Likely benign for Inborn genetic diseases. Last evaluated: 2024-11-10. Review status: criteria provided, single submitter. Criteria: Ambry Variant Classification Scheme 2023. Collection method: clinical testing. Allele origin: germline.

Labcorp Genetics (formerly Invitae), Labcorp
Classification: Uncertain significance for Benign neonatal seizures. Last evaluated: 2024-10-16. Review status: criteria provided, single submitter. Criteria: Invitae Variant Classification Sherloc (09022015). Collection method: clinical testing. Allele origin: germline.
Comment: This sequence change replaces threonine, which is neutral and polar, with methionine, which is neutral and non-polar, at codon 566 of the KCNQ3 protein (p.Thr566Met). This variant is present in population databases (rs746403693, gnomAD 0.02%). This variant has not been reported in the literature in individuals affected with KCNQ3-related conditions. ClinVar contains an entry for this variant (Variation ID: 853636). Invitae Evidence Modeling of protein sequence and biophysical properties (such as structural, functional, and spatial information, amino acid conservation, physicochemical variation, residue mobility, and thermodynamic stability) indicates that this missense variant is not expected to disrupt KCNQ3 protein function with a negative predictive value of 80%. In summary, the available evidence is currently insufficient to determine the role of this variant in disease. Therefore, it has been classified as a Variant of Uncertain Significance.

CeGaT Center for Human Genetics Tuebingen
Classification: Uncertain significance. Last evaluated: 2024-05-01. Review status: criteria provided, single submitter. Criteria: CeGaT Center For Human Genetics Tuebingen Variant Classification Criteria Version 2. Collection method: clinical testing. Allele origin: germline. Affected: yes. Observed: 1 variant allele.
Comment: KCNQ3: PM2

GeneDx
Classification: Uncertain significance. Last evaluated: 2019-03-01. Review status: criteria provided, single submitter. Criteria: GeneDx Variant Classification Process June 2021. Collection method: clinical testing. Allele origin: germline. Affected: yes.
Comment: In silico analysis, which includes protein predictors and evolutionary conservation, supports a deleterious effect; Has not been previously published as pathogenic or benign to our knowledge

NM_004519.4(KCNQ3):c.1697C>T (p.Thr566Met)

Gene: KCNQ3 (potassium voltage-gated channel subfamily Q member 3; minus strand). Cytogenetic location: 8q24.22.
Variant type: single nucleotide variant.
Coding change: c.1697C>T on transcript NM_004519.4 (MANE Select); coding-DNA position 1697, C replaced by T.
Protein change: p.Thr566Met; replaces threonine 566 with methionine.
Molecular consequence: missense variant.
Genome position (GRCh38, 1-based): chr8:132,137,888, G>A on the plus strand (C>T on the coding strand, the complement: KCNQ3 is on the minus strand). VCF-style: chr8-132137888-G-A. GRCh37 (hg19) VCF-style: chr8-133150135-G-A.
Other names: c.1337C>T, p.Thr446Met (NM_001204824.2); short protein forms T446M, T566M.
Identifiers: ClinVar variation 853636 (VCV000853636.30), dbSNP rs746403693, ClinGen allele CA4880632.
Genomic context (GRCh38, chr8:132,137,888, plus strand): 5'-TCTAAGGTTCATAGGGCTTTGAGGGGAGCGCAGTCCCTCCAGATGTGACTGTCTCACCTC[G>A]TCTGAAGGTACTTTATCCTGGAAAGCATGTCGAGATGCCCGGCAGAATACTGCTCAATCA-3'
Protein context (NP_004510.1, residues 556-576): DMLSRIKYLQ[Thr566Met]RIDMIFTPGP